The following is an entry in ClinVar:

NM_002661.5(PLCG2):c.2149G>A (p.Val717Ile)

Gene: PLCG2 (phospholipase C gamma 2; plus strand). Cytogenetic location: 16q23.3.
Variant type: single nucleotide variant.
Coding change: c.2149G>A on transcript NM_002661.5 (MANE Select); coding-DNA position 2149, G replaced by A.
Protein change: p.Val717Ile; replaces valine 717 with isoleucine.
Molecular consequence: missense variant.
Genome position (GRCh38, 1-based): chr16:81,919,578, G>A. VCF-style: chr16-81919578-G-A. GRCh37 (hg19) VCF-style: chr16-81953183-G-A.
Other names: short protein forms V717I.
Identifiers: ClinVar variation 1335225 (VCV001335225.37), dbSNP rs762414923, ClinGen allele CA8194100.

ClinVar aggregate classification (germline): Uncertain significance. Review status: criteria provided, multiple submitters, no conflicts (2 of 4 stars). 2 submissions from 2 submitters: Uncertain significance (2). Last evaluated 2024-09-21.

Conditions:
Familial cold autoinflammatory syndrome 3 (FCAS3). Also called: ANTIBODY DEFICIENCY AND IMMUNE DYSREGULATION, PLCG2-ASSOCIATED; FAMILIAL ATYPICAL COLD URTICARIA. Identifiers: Orphanet 300359, MedGen C3280914, MONDO:0013766, OMIM 614468.

Allele frequency attached by ClinVar (database versions not stated): ExAC 0.00002; TOPMed 0.00002; gnomAD 0.00003; gnomAD exomes 0.00003.
gnomAD v4.1: 35 of 1,613,986 alleles (0.0022%); highest among the groups gnomAD compares: Non-Finnish European, 0.0028%; no homozygotes.

Submissions (2):

Labcorp Genetics (formerly Invitae), Labcorp
Classification: Uncertain significance for Familial cold autoinflammatory syndrome 3. Last evaluated: 2024-09-21. Review status: criteria provided, single submitter. Criteria: Invitae Variant Classification Sherloc (09022015). Collection method: clinical testing. Allele origin: germline.
Comment: This sequence change replaces valine, which is neutral and non-polar, with isoleucine, which is neutral and non-polar, at codon 717 of the PLCG2 protein (p.Val717Ile). This variant is present in population databases (rs762414923, gnomAD 0.006%). This variant has not been reported in the literature in individuals affected with PLCG2-related conditions. ClinVar contains an entry for this variant (Variation ID: 1335225). An algorithm developed to predict the effect of missense changes on protein structure and function (PolyPhen-2) suggests that this variant is likely to be disruptive. In summary, the available evidence is currently insufficient to determine the role of this variant in disease. Therefore, it has been classified as a Variant of Uncertain Significance.

CeGaT Center for Human Genetics Tuebingen
Classification: Uncertain significance. Last evaluated: 2021-12-01. Review status: criteria provided, single submitter. Criteria: CeGaT Center For Human Genetics Tuebingen Variant Classification Criteria Version 2. Collection method: clinical testing. Allele origin: germline. Affected: yes. Observed: 1 variant allele.